The following is an entry in ClinVar:

ClinVar aggregate classification (germline): Uncertain significance (1 of 4 stars; one submission).

Allele frequency attached by ClinVar (database versions not stated): gnomAD exomes below 0.00001; gnomAD 0.00002 and 0.00003; TOPMed 0.00002.
gnomAD v4.1: 6 of 1,614,128 alleles (0.00037%); highest among the groups gnomAD compares: African/African-American, 0.008%; no homozygotes.

Submission:

Labcorp Genetics (formerly Invitae), Labcorp
Classification: Uncertain significance. Last evaluated: 2021-12-02. Review status: criteria provided, single submitter. Criteria: Invitae Variant Classification Sherloc (09022015). Collection method: clinical testing. Allele origin: germline.
Comment: This sequence change replaces glutamine, which is neutral and polar, with glutamic acid, which is acidic and polar, at codon 144 of the PLEKHG2 protein (p.Gln144Glu). This variant is present in population databases (no rsID available, gnomAD 0.007%). This variant has not been reported in the literature in individuals affected with PLEKHG2-related conditions. Algorithms developed to predict the effect of missense changes on protein structure and function (SIFT, PolyPhen-2, Align-GVGD) all suggest that this variant is likely to be disruptive. In summary, the available evidence is currently insufficient to determine the role of this variant in disease. Therefore, it has been classified as a Variant of Uncertain Significance.

NM_022835.3(PLEKHG2):c.430C>G (p.Gln144Glu)

Gene: PLEKHG2 (pleckstrin homology and RhoGEF domain containing G2; plus strand). Cytogenetic location: 19q13.2.
Variant type: single nucleotide variant.
Coding change: c.430C>G on transcript NM_022835.3 (MANE Select); coding-DNA position 430, C replaced by G.
Protein change: p.Gln144Glu; replaces glutamine 144 with glutamic acid.
Molecular consequence: missense variant.
Genome position (GRCh38, 1-based): chr19:39,415,390, C>G. VCF-style: chr19-39415390-C-G. GRCh37 (hg19) VCF-style: chr19-39906030-C-G.
Other names: c.253C>G, p.Gln85Glu (NM_001351693.2); c.430C>G, p.Gln144Glu (NM_001351694.2); short protein forms Q144E, Q85E.
Identifiers: ClinVar variation 1481015 (VCV001481015.5), dbSNP rs1480059562, ClinGen allele CA405788522.
Genomic context (GRCh38, chr19:39,415,390, plus strand): 5'-TCCCAACAGGACTACCTGGGCCCTCTGCTGGACGGCGGGGTCCTGGGGCTGAGCGTGGAG[C>G]AGGTGGGCACGCTGTTTGCCAACATTGAGGACATCTACGAGTTCAGCAGGTCAGGGGCAG-3'
Protein context (NP_073746.2, residues 134-154): DGGVLGLSVE[Gln144Glu]VGTLFANIED